The following is an entry in ClinVar:

ClinVar aggregate classification (germline): Uncertain significance (1 of 4 stars; one submission).

Conditions:
Waardenburg syndrome type 4C (WS4C). Also called: WAARDENBURG SYNDROME WITH HIRSCHSPRUNG DISEASE, TYPE 4C. Identifiers: Orphanet 897, MedGen C2750452, MONDO:0013202, OMIM 613266.

Submission:

Molecular Genetics, Royal Melbourne Hospital
Classification: Uncertain significance for Waardenburg syndrome type 4C. Last evaluated: 2024-01-05. Review status: criteria provided, single submitter. Criteria: ACMG Guidelines, 2015. Collection method: clinical testing. Allele origin: germline. Inheritance: Autosomal dominant inheritance.
Comment: This sequence change in SOX10 is predicted to replace tyrosine with cysteine at codon 173, p.(Tyr173Cys). The tyrosine residue is highly conserved (100 vertebrates, Multiz alignments), and is located in a region (amino acids 111-179) that is highly constrained for missense variation (MetaDome). There is a large physicochemical difference between tyrosine and cysteine. This variant is absent from the population database gnomAD v2.1 and v3.1. To our knowledge, this variant has not been previously reported in the relevant scientific literature or databases. Computational evidence predicts a deleterious effect for the missense substitution (REVEL = 0.904). Based on the classification scheme RMH Modified ACMG/AMP Guidelines v1.6.1, this variant is classified as a VARIANT OF UNCERTAIN SIGNIFICANCE. Following criteria are met: PM1, PM2_Supporting, PP3

NM_006941.4(SOX10):c.518A>G (p.Tyr173Cys)

Genes: POLR2F (RNA polymerase II, I and III subunit F; plus strand), SOX10 (SRY-box transcription factor 10; minus strand). Cytogenetic location: 22q13.1.
Variant type: single nucleotide variant.
Coding change: c.518A>G on transcript NM_006941.4 (MANE Select); coding-DNA position 518, A replaced by G.
Protein change: p.Tyr173Cys; replaces tyrosine 173 with cysteine.
Molecular consequence: missense variant. On other transcripts: intron variant (3).
Genome position (GRCh38, 1-based): chr22:37,978,046, T>C on the plus strand (A>G on the coding strand, the complement: SOX10 is on the minus strand). VCF-style: chr22-37978046-T-C. GRCh37 (hg19) VCF-style: chr22-38374053-T-C.
Other names: c.*38+5736T>C (NM_001363825.1); c.294-8108T>C (NM_001301130.2); c.293+10876T>C (NM_001301131.2); short protein forms Y173C.
Identifiers: ClinVar variation 3068654 (VCV003068654.1), dbSNP rs2518046880, ClinGen allele CA411497823.